The following is an entry in ClinVar:

ClinVar aggregate classification (germline): Conflicting classifications of pathogenicity. Review status: criteria provided, conflicting classifications (1 of 4 stars). 7 submissions from 7 submitters: Uncertain significance (2); Likely benign (3). 2 of the submissions do not count toward it. Last evaluated 2026-01-24.

Conditions:
Familial thoracic aortic aneurysm and aortic dissection (TAAD). Also called: Thoracic aortic aneurysms and dissections. Identifiers: Orphanet 91387, MedGen C4707243, MONDO:0019625.
PLOD1-related disorder. Also called: PLOD1-related condition.
Ehlers-Danlos syndrome, kyphoscoliotic type 1 (EDSKSCL1). Also called: EHLERS-DANLOS SYNDROME, TYPE VIA; Ehlers-Danlos syndrome, hydroxylysine-deficient; EHLERS-DANLOS SYNDROME, OCULAR-SCOLIOTIC TYPE; PLOD1-Related Kyphoscoliotic Ehlers-Danlos Syndrome. Identifiers: Orphanet 1900, MedGen C0268342, MONDO:0016002, OMIM 225400. Disease mechanism: loss of function.

Allele frequency attached by ClinVar (database versions not stated): gnomAD exomes 0.00010 and 0.00022; TOPMed 0.00015; gnomAD 0.00018 and 0.00019; ExAC 0.00032.
gnomAD v4.1: 182 of 1,600,930 alleles (0.011%); highest among the groups gnomAD compares: African/African-American, 0.0053%; 2 homozygotes.

Submissions (7):

Labcorp Genetics (formerly Invitae), Labcorp
Classification: Likely benign for Ehlers-Danlos syndrome, kyphoscoliotic type 1. Last evaluated: 2026-01-24. Review status: criteria provided, single submitter. Criteria: Invitae Variant Classification Sherloc (09022015). Collection method: clinical testing. Allele origin: germline.

Ambry Genetics
Classification: Likely benign for Familial thoracic aortic aneurysm and aortic dissection. Last evaluated: 2025-08-20. Review status: criteria provided, single submitter. Criteria: Ambry Variant Classification Scheme 2023. Collection method: clinical testing. Allele origin: germline.

Molecular Diagnostic Laboratory for Inherited Cardiovascular Disease, Montreal Heart Institute
Classification: Likely benign. Last evaluated: 2025-04-09. Review status: criteria provided, single submitter. Criteria: ACMG Guidelines, 2015. Collection method: clinical testing. Allele origin: germline. Affected: no.
Comment: BP1, BP4

GeneDx
Classification: Uncertain significance. Last evaluated: 2020-08-25. Review status: criteria provided, single submitter. Criteria: GeneDx Variant Classification Process June 2021. Collection method: clinical testing. Allele origin: germline. Affected: yes.
Comment: In silico analysis supports that this missense variant does not alter protein structure/function; Has not been previously published as pathogenic or benign to our knowledge

Illumina Laboratory Services, Illumina
Classification: Uncertain significance for Ehlers-Danlos syndrome, kyphoscoliotic type 1. Last evaluated: 2018-01-12. Review status: criteria provided, single submitter. Criteria: ICSL Variant Classification Criteria 13 December 2019. Collection method: clinical testing. Allele origin: germline.

PreventionGenetics, part of Exact Sciences
Classification: Likely benign for PLOD1-related condition. Last evaluated: 2024-06-17. Review status: no assertion criteria provided. Collection method: clinical testing. Allele origin: germline. Not counted in ClinVar's aggregate classification.
Comment: This variant is classified as likely benign based on ACMG/AMP sequence variant interpretation guidelines (Richards et al. 2015 PMID: 25741868, with internal and published modifications).

PG23_Medical Genetics Lab, ASST Papa Giovanni XXIII
Classification: Uncertain significance for Ehlers-Danlos syndrome, kyphoscoliotic type 1. Review status: no assertion criteria provided. Collection method: clinical testing. Allele origin: germline. Inheritance: Autosomal recessive inheritance. Affected: yes. Not counted in ClinVar's aggregate classification.

NM_000302.4(PLOD1):c.1172A>G (p.Asn391Ser)

Gene: PLOD1 (procollagen-lysine,2-oxoglutarate 5-dioxygenase 1; plus strand). Cytogenetic location: 1p36.22.
Variant type: single nucleotide variant.
Coding change: c.1172A>G on transcript NM_000302.4 (MANE Select); coding-DNA position 1172, A replaced by G.
Protein change: p.Asn391Ser; replaces asparagine 391 with serine.
Molecular consequence: missense variant.
Genome position (GRCh38, 1-based): chr1:11,963,606, A>G. VCF-style: chr1-11963606-A-G. GRCh37 (hg19) VCF-style: chr1-12023663-A-G.
Other names: c.1313A>G, p.Asn438Ser (NM_001316320.2); short protein forms N391S, N438S.
Identifiers: ClinVar variation 292291 (VCV000292291.29), dbSNP rs763409574, ClinGen allele CA598306.
Genomic context (GRCh38, chr1:11,963,606, plus strand): 5'-AGGACCGCAGCTGCACCTACTACTTCAGCGTGGATGCTGACGTGGCCCTGACCGAGCCCA[A>G]CAGCCTGCGGCTGCTGATCCAACAGAACAAGTGAGGCTGCTCCGTCTGCACCCAGCACTG-3'
Protein context (NP_000293.2, residues 381-401): VDADVALTEP[Asn391Ser]SLRLLIQQNK